The following is an entry in ClinVar:

NM_002878.4(RAD51D):c.144+5G>C

Genes: RAD51D (RAD51 paralog D; minus strand), RAD51L3-RFFL (RAD51L3-RFFL readthrough; minus strand). Cytogenetic location: 17q12.
Variant type: single nucleotide variant.
Coding change: c.144+5G>C on transcript NM_002878.4 (MANE Select); 5 bases into the intron after coding-DNA position 144, G replaced by C.
Molecular consequence: intron variant.
Genome position (GRCh38, 1-based): chr17:35,119,106, C>G on the plus strand (G>C on the coding strand, the complement: RAD51D is on the minus strand). VCF-style: chr17-35119106-C-G. GRCh37 (hg19) VCF-style: chr17-33446125-C-G.
Other names: c.144+5G>C (NM_133629.3, NM_001142571.2).
Identifiers: ClinVar variation 231437 (VCV000231437.15), dbSNP rs876659159, ClinGen allele CA10580470.

ClinVar aggregate classification (germline): Uncertain significance. Review status: criteria provided, multiple submitters, no conflicts (2 of 4 stars). 3 submissions from 3 submitters: Uncertain significance (3). Last evaluated 2024-08-22.

Conditions:
Hereditary cancer-predisposing syndrome. Also called: Neoplastic Syndromes, Hereditary; Tumor predisposition; Hereditary Cancer Syndrome; Hereditary neoplastic syndrome. Identifiers: Orphanet 140162, MedGen C0027672, MeSH D009386, MONDO:0015356.
Breast-ovarian cancer, familial, susceptibility to, 4. Identifiers: Orphanet 145, MedGen C3280345, MONDO:0013669, OMIM 614291.

Submissions (3):

Ambry Genetics
Classification: Uncertain significance for Hereditary cancer-predisposing syndrome. Last evaluated: 2024-08-22. Review status: criteria provided, single submitter. Criteria: Ambry Variant Classification Scheme 2023. Collection method: clinical testing. Allele origin: germline.
Comment: The c.144+5G>C intronic variant results from a G to C substitution 5 nucleotides after coding exon 2 in the RAD51D gene. This nucleotide position is highly conserved in available vertebrate species. In silico splice site analysis predicts that this alteration may weaken the native splice donor site; however, direct evidence is insufficient at this time (Ambry internal data). Based on the available evidence, the clinical significance of this variant remains unclear.

Labcorp Genetics (formerly Invitae), Labcorp
Classification: Uncertain significance for Breast-ovarian cancer, familial, susceptibility to, 4. Last evaluated: 2024-08-04. Review status: criteria provided, single submitter. Criteria: Invitae Variant Classification Sherloc (09022015). Collection method: clinical testing. Allele origin: germline.
Comment: This sequence change falls in intron 2 of the RAD51D gene. It does not directly change the encoded amino acid sequence of the RAD51D protein. It affects a nucleotide within the consensus splice site. This variant is not present in population databases (gnomAD no frequency). This variant has not been reported in the literature in individuals affected with RAD51D-related conditions. ClinVar contains an entry for this variant (Variation ID: 231437). Variants that disrupt the consensus splice site are a relatively common cause of aberrant splicing (PMID: 17576681, 9536098). Algorithms developed to predict the effect of sequence changes on RNA splicing suggest that this variant may disrupt the consensus splice site. In summary, the available evidence is currently insufficient to determine the role of this variant in disease. Therefore, it has been classified as a Variant of Uncertain Significance.

Baylor Genetics
Classification: Uncertain significance for Breast-ovarian cancer, familial, susceptibility to, 4. Last evaluated: 2023-11-14. Review status: criteria provided, single submitter. Criteria: ACMG Guidelines, 2015. Collection method: clinical testing. Allele origin: unknown.

Literature cited by the submitters: PubMed 17576681 (cited by Labcorp Genetics (formerly Invitae), Labcorp); PubMed 9536098 (cited by Labcorp Genetics (formerly Invitae), Labcorp).